The following is an entry in ClinVar:

ClinVar aggregate classification (germline): Benign (1 of 4 stars; one submission).

Allele frequency attached by ClinVar (database versions not stated): ESP Exome Variant Server 0.01073; 1000 Genomes Project 0.01438; 1000 Genomes Project 30x 0.01546; gnomAD 0.01563 and 0.01698; TOPMed 0.01742.
gnomAD v4.1: 4,224 of 1,402,706 alleles (0.3%); highest among the groups gnomAD compares: African/African-American, 5.2%; 105 homozygotes.

Submission:

GeneDx
Classification: Benign. Last evaluated: 2020-02-25. Review status: criteria provided, single submitter. Criteria: GeneDx Variant Classification Process June 2021. Collection method: clinical testing. Allele origin: germline. Affected: yes.
Comment: This variant is associated with the following publications: (PMID: 27651445)

NM_005505.5(SCARB1):c.631-53C>T

Gene: SCARB1 (scavenger receptor class B member 1; minus strand). Cytogenetic location: 12q24.31.
Variant type: single nucleotide variant.
Coding change: c.631-53C>T on transcript NM_005505.5 (MANE Select); 53 bases into the intron before coding-DNA position 631, C replaced by T.
Molecular consequence: intron variant.
Genome position (GRCh38, 1-based): chr12:124,812,018, G>A on the plus strand (C>T on the coding strand, the complement: SCARB1 is on the minus strand). VCF-style: chr12-124812018-G-A. GRCh37 (hg19) VCF-style: chr12-125296564-G-A.
Other names: c.631-53C>T (NM_001367988.1, NM_001367985.1, NM_001367987.1 and 6 more transcripts); c.508-53C>T (NM_001367982.1).
Identifiers: ClinVar variation 1278311 (VCV001278311.1), dbSNP rs77740046, ClinGen allele CA245225203.